The following is an entry in ClinVar:

ClinVar aggregate classification (germline): Uncertain significance. Review status: criteria provided, multiple submitters, no conflicts (2 of 4 stars). 3 submissions from 3 submitters: Uncertain significance (3). Last evaluated 2025-12-05.

Conditions:
DICER1-related tumor predisposition. Also called: DICER1-related pleuropulmonary blastoma cancer predisposition syndrome; DICER1 syndrome. Identifiers: Orphanet 284343, MedGen C3839822, MONDO:0100216.
Hereditary cancer-predisposing syndrome. Also called: Neoplastic Syndromes, Hereditary; Hereditary Cancer Syndrome; Hereditary neoplastic syndrome; Tumor predisposition. Identifiers: Orphanet 140162, MedGen C0027672, MeSH D009386, MONDO:0015356.

Submissions (3):

Labcorp Genetics (formerly Invitae), Labcorp
Classification: Uncertain significance for DICER1-related tumor predisposition. Last evaluated: 2025-12-05. Review status: criteria provided, single submitter. Criteria: Invitae Variant Classification Sherloc (09022015). Collection method: clinical testing. Allele origin: germline.
Comment: This sequence change replaces aspartic acid, which is acidic and polar, with glycine, which is neutral and non-polar, at codon 1405 of the DICER1 protein (p.Asp1405Gly). This variant is not present in population databases (gnomAD no frequency). This variant has not been reported in the literature in individuals affected with DICER1-related conditions. ClinVar contains an entry for this variant (Variation ID: 824686). Invitae Evidence Modeling of protein sequence and biophysical properties (such as structural, functional, and spatial information, amino acid conservation, physicochemical variation, residue mobility, and thermodynamic stability) indicates that this missense variant is not expected to disrupt DICER1 protein function with a negative predictive value of 95%. In summary, the available evidence is currently insufficient to determine the role of this variant in disease. Therefore, it has been classified as a Variant of Uncertain Significance.

Helix
Classification: Uncertain significance for DICER1-related tumor predisposition. Last evaluated: 2025-10-27. Review status: criteria provided, single submitter. Criteria: ACMG Guidelines, 2015. Collection method: clinical testing. Allele origin: germline. Inheritance: Autosomal dominant inheritance.
Comment: This variant (NM_177438.3:c.4214A>G p.Asp1405Gly) results in the substitution of aspartic acid with glycine at codon 1405 in the DICER1 protein. It is a rare variant that is absent from the large gnomAD population database (v4.1). To our knowledge, this variant has not been reported in individuals with DICER1-related conditions in the published literature. In silico prediction from REVEL (PMID: 27666373) suggests that this variant may be benign. This variant is present in ClinVar (Accession: VCV000824686.14). In conclusion, since the available evidence is limited, the clinical significance of this variant is unclear at this time. Therefore, it is classified as a Variant of Uncertain Significance.

Ambry Genetics
Classification: Uncertain significance for Hereditary cancer-predisposing syndrome. Last evaluated: 2025-10-20. Review status: criteria provided, single submitter. Criteria: Ambry Variant Classification Scheme 2023. Collection method: clinical testing. Allele origin: germline.
Comment: The p.D1405G variant (also known as c.4214A>G), located in coding exon 22 of the DICER1 gene, results from an A to G substitution at nucleotide position 4214. The aspartic acid at codon 1405 is replaced by glycine, an amino acid with similar properties. This amino acid position is not well conserved in available vertebrate species. In addition, the in silico prediction for this alteration is inconclusive. Based on the available evidence, the clinical significance of this variant remains unclear.

NM_177438.3(DICER1):c.4214A>G (p.Asp1405Gly)

Gene: DICER1 (dicer 1, ribonuclease III; minus strand). Cytogenetic location: 14q32.13.
Variant type: single nucleotide variant.
Coding change: c.4214A>G on transcript NM_177438.3 (MANE Select); coding-DNA position 4214, A replaced by G.
Protein change: p.Asp1405Gly; replaces aspartic acid 1405 with glycine.
Molecular consequence: missense variant.
Genome position (GRCh38, 1-based): chr14:95,096,706, T>C on the plus strand (A>G on the coding strand, the complement: DICER1 is on the minus strand). VCF-style: chr14-95096706-T-C. GRCh37 (hg19) VCF-style: chr14-95563043-T-C.
Other names: c.4214A>G, p.Asp1405Gly (NM_001195573.1, NM_001271282.3, NM_001291628.2 and 1 more transcripts); short protein forms D1405G.
Identifiers: ClinVar variation 824686 (VCV000824686.16), dbSNP rs1595343098, ClinGen allele CA390869875.